The following is an entry in ClinVar:

ClinVar aggregate classification (germline): Uncertain significance (1 of 4 stars; one submission).

Allele frequency attached by ClinVar (database versions not stated): ExAC 0.00009; gnomAD exomes 0.00010; ESP Exome Variant Server 0.00023.
gnomAD v4.1: 384 of 1,598,626 alleles (0.024%); highest among the groups gnomAD compares: Non-Finnish European, 0.032%; no homozygotes.

Submission:

Labcorp Genetics (formerly Invitae), Labcorp
Classification: Uncertain significance. Last evaluated: 2026-01-26. Review status: criteria provided, single submitter. Criteria: Invitae Variant Classification Sherloc (09022015). Collection method: clinical testing. Allele origin: germline.
Comment: This sequence change affects a donor splice site in intron 16 of the TNNI3K gene. It is expected to disrupt RNA splicing. Variants that disrupt the donor or acceptor splice site typically lead to a loss of protein function (PMID: 16199547), however the current clinical and genetic evidence is not sufficient to establish whether loss-of-function variants in TNNI3K cause disease. This variant is present in population databases (rs199684206, gnomAD 0.02%). This variant has not been reported in the literature in individuals affected with TNNI3K-related conditions. ClinVar contains an entry for this variant (Variation ID: 1480218). Algorithms developed to predict the effect of sequence changes on RNA splicing suggest that this variant may disrupt the consensus splice site. In summary, the available evidence is currently insufficient to determine the role of this variant in disease. Therefore, it has been classified as a Variant of Uncertain Significance.

Literature cited by the submitters: PubMed 16199547.

NM_015978.3(TNNI3K):c.1667+1G>A

Genes: FPGT-TNNI3K (FPGT-TNNI3K readthrough; plus strand), TNNI3K (TNNI3 interacting kinase; plus strand). Cytogenetic location: 1p31.1.
Variant type: single nucleotide variant.
Coding change: c.1667+1G>A on transcript NM_015978.3 (MANE Select); the canonical splice donor site of the intron after coding-DNA position 1667, G replaced by A.
Molecular consequence: splice donor variant.
Genome position (GRCh38, 1-based): chr1:74,369,586, G>A. VCF-style: chr1-74369586-G-A. GRCh37 (hg19) VCF-style: chr1-74835270-G-A.
Other names: c.1970+1G>A (NM_001112808.3, NM_001199327.2).
Identifiers: ClinVar variation 1480218 (VCV001480218.6), dbSNP rs199684206, ClinGen allele CA909352.